The following is an entry in ClinVar:

NM_001252102.2(KIF21B):c.3095T>C (p.Leu1032Pro)

Gene: KIF21B (kinesin family member 21B; minus strand). Cytogenetic location: 1q32.1.
Variant type: single nucleotide variant.
Coding change: c.3095T>C on transcript NM_001252102.2 (MANE Select); coding-DNA position 3095, T replaced by C.
Protein change: p.Leu1032Pro; replaces leucine 1032 with proline.
Molecular consequence: missense variant.
Genome position (GRCh38, 1-based): chr1:200,989,979, A>G on the plus strand (T>C on the coding strand, the complement: KIF21B is on the minus strand). VCF-style: chr1-200989979-A-G. GRCh37 (hg19) VCF-style: chr1-200959107-A-G.
Other names: c.3095T>C, p.Leu1032Pro (NM_001252100.2, NM_001252103.2, NM_017596.4); short protein forms L1032P.
Identifiers: ClinVar variation 4813528 (VCV004813528.1).

ClinVar aggregate classification (germline): Uncertain significance (1 of 4 stars; one submission).

Conditions:
Neurodevelopmental disorder. Identifiers: MedGen C1535926, MeSH D065886, MONDO:0700092.

Submission:

Mendelics
Classification: Uncertain significance for Neurodevelopmental disorder. Last evaluated: 2026-03-05. Review status: criteria provided, single submitter. Criteria: ACMG Guidelines, 2015. Collection method: clinical testing. Allele origin: unknown.
Comment: The available evidence is insufficient to conclusively determine the role of this variant. Therefore, it is classified as a Variant of Uncertain Significance.